The following is an entry in ClinVar:

ClinVar aggregate classification (germline): Uncertain significance (1 of 4 stars; one submission).

Conditions:
Progressive sclerosing poliodystrophy (MTDPS4A). Also called: Mitochondrial DNA Depletion Syndrome 4A; ALPERS PROGRESSIVE INFANTILE POLIODYSTROPHY; NEURONAL DEGENERATION OF CHILDHOOD WITH LIVER DISEASE, PROGRESSIVE; Mitochondrial DNA depletion syndrome 4A (Alpers type); Alpers-Huttenlocher Syndrome (AHS); Alpers Syndrome. Identifiers: Orphanet 726, MedGen C0205710, MONDO:0008758, OMIM 203700.

Allele frequency attached by ClinVar (database versions not stated): ExAC 0.00002; gnomAD 0.00002.
gnomAD v4.1: 10 of 1,614,008 alleles (0.00062%); highest among the groups gnomAD compares: East Asian, 0.018%; no homozygotes.

Submission:

Labcorp Genetics (formerly Invitae), Labcorp
Classification: Uncertain significance for Progressive sclerosing poliodystrophy. Last evaluated: 2022-08-24. Review status: criteria provided, single submitter. Criteria: Invitae Variant Classification Sherloc (09022015). Collection method: clinical testing. Allele origin: germline.
Comment: This sequence change replaces valine, which is neutral and non-polar, with leucine, which is neutral and non-polar, at codon 712 of the POLG protein (p.Val712Leu). This variant is present in population databases (rs748834542, gnomAD 0.03%). This variant has not been reported in the literature in individuals affected with POLG-related conditions. Algorithms developed to predict the effect of missense changes on protein structure and function output the following: SIFT: "Tolerated"; PolyPhen-2: "Benign"; Align-GVGD: "Class C0". The leucine amino acid residue is found in multiple mammalian species, which suggests that this missense change does not adversely affect protein function. In summary, the available evidence is currently insufficient to determine the role of this variant in disease. Therefore, it has been classified as a Variant of Uncertain Significance.

NM_002693.3(POLG):c.2134G>T (p.Val712Leu)

Gene: POLG (DNA polymerase gamma, catalytic subunit; minus strand). Cytogenetic location: 15q26.1.
Variant type: single nucleotide variant.
Coding change: c.2134G>T on transcript NM_002693.3 (MANE Select); coding-DNA position 2134, G replaced by T.
Protein change: p.Val712Leu; replaces valine 712 with leucine.
Molecular consequence: missense variant.
Genome position (GRCh38, 1-based): chr15:89,323,838, C>A on the plus strand (G>T on the coding strand, the complement: POLG is on the minus strand). VCF-style: chr15-89323838-C-A. GRCh37 (hg19) VCF-style: chr15-89867069-C-A.
Other names: c.2134G>T, p.Val712Leu (NM_001126131.2); short protein forms V712L.
Identifiers: ClinVar variation 1935654 (VCV001935654.2), dbSNP rs748834542, ClinGen allele CA7724583.